The following is an entry in ClinVar:

NM_183065.4(TMEM107):c.182dup (p.Leu63fs)

Genes: TMEM107 (transmembrane protein 107; minus strand), LOC105371520 (uncharacterized LOC105371520; plus strand). Cytogenetic location: 17p13.1.
Variant type: Duplication.
Coding change: c.182dup on transcript NM_183065.4 (MANE Select); coding-DNA position 182, one base duplicated (T; older notation c.182dupT).
Protein change: p.Leu63fs; shifts the reading frame from leucine 63.
Molecular consequence: frameshift variant. On other transcripts: intron variant (1).
Genome position (GRCh38, 1-based): chr17:8,175,831, A duplicated on the plus strand (T on the coding strand, the reverse complement: TMEM107 is on the minus strand). VCF-style (leftmost placement, unchanged base first): chr17-8175830-C-CA. GRCh37 (hg19) VCF-style: chr17-8079148-C-CA.
Other names: c.200dup, p.Leu69fs (NM_001351278.2, NM_032354.5); c.182dup, p.Leu63fs (NM_001351279.2); c.155+128dup (NM_001351280.2); short protein forms L63fs, L69fs.
Identifiers: ClinVar variation 1444507 (VCV001444507.10), dbSNP rs1302075903, ClinGen allele CA497763574.

ClinVar aggregate classification (germline): Conflicting classifications of pathogenicity. Review status: criteria provided, conflicting classifications (1 of 4 stars). 2 submissions from 2 submitters: Pathogenic (1); Uncertain significance (1). Last evaluated 2025-09-19.

Allele frequency attached by ClinVar (database versions not stated): gnomAD exomes below 0.00001 and 0.00001; gnomAD 0.00001; TOPMed 0.00001.

Submissions (2):

Labcorp Genetics (formerly Invitae), Labcorp
Classification: Pathogenic. Last evaluated: 2025-09-19. Review status: criteria provided, single submitter. Criteria: Invitae Variant Classification Sherloc (09022015). Collection method: clinical testing. Allele origin: germline.
Comment: This sequence change creates a premature translational stop signal (p.Leu69Profs*30) in the TMEM107 gene. It is expected to result in an absent or disrupted protein product. Loss-of-function variants in TMEM107 are known to be pathogenic (PMID: 22698544, 26123494). This variant is present in population databases (no rsID available, gnomAD 0.002%). This variant has not been reported in the literature in individuals affected with TMEM107-related conditions. ClinVar contains an entry for this variant (Variation ID: 1444507). For these reasons, this variant has been classified as Pathogenic.

Blueprint Genetics
Classification: Uncertain significance. Last evaluated: 2022-01-06. Review status: criteria provided, single submitter. Criteria: ACMG Guidelines, 2015. Collection method: clinical testing. Allele origin: germline.

Literature cited by the submitters: PubMed 22698544 (cited by Labcorp Genetics (formerly Invitae), Labcorp); PubMed 26123494 (cited by Labcorp Genetics (formerly Invitae), Labcorp).